The following is an entry in ClinVar:

ClinVar aggregate classification (germline): Pathogenic (1 of 4 stars; one submission).

Conditions:
Werner syndrome (WRN). Identifiers: Orphanet 902, MedGen C0043119, MONDO:0010196, OMIM 277700.

Submission:

Labcorp Genetics (formerly Invitae), Labcorp
Classification: Pathogenic for Werner syndrome. Last evaluated: 2018-10-21. Review status: criteria provided, single submitter. Criteria: Invitae Variant Classification Sherloc (09022015). Collection method: clinical testing. Allele origin: germline.
Comment: This variant has not been reported in the literature in individuals with WRN-related disease. This variant is not present in population databases (ExAC no frequency). This sequence change creates a premature translational stop signal (p.Asn788Ilefs*11) in the WRN gene. It is expected to result in an absent or disrupted protein product. For these reasons, this variant has been classified as Pathogenic. Loss-of-function variants in WRN are known to be pathogenic (PMID: 16673358).

Literature cited by the submitters: PubMed 16673358.

NM_000553.6(WRN):c.2359_2361delinsTT (p.Asn788fs)

Gene: WRN (WRN RecQ like helicase; plus strand). Cytogenetic location: 8p12.
Variant type: Indel.
Coding change: c.2359_2361delinsTT on transcript NM_000553.6 (MANE Select); coding-DNA positions 2359 to 2361, CTG replaced by TT.
Protein change: p.Asn788fs; shifts the reading frame from asparagine 788.
Molecular consequence: frameshift variant.
Genome position (GRCh38, 1-based): chr8:31,116,439-31,116,441, CTG replaced by TT. VCF-style: chr8-31116439-CTG-TT. GRCh37 (hg19) VCF-style: chr8-30973955-CTG-TT.
Other names: short protein forms N788fs.
Identifiers: ClinVar variation 647126 (VCV000647126.5), dbSNP rs1585478331, ClinGen allele CA915945642.